The following is an entry in ClinVar:

NM_001042492.3(NF1):c.4895dup (p.Pro1633fs)

Gene: NF1 (neurofibromin 1; plus strand). Cytogenetic location: 17q11.2.
Variant type: Duplication.
Coding change: c.4895dup on transcript NM_001042492.3 (MANE Select); coding-DNA position 4895, one base duplicated (A; older notation c.4895dupA).
Protein change: p.Pro1633fs; shifts the reading frame from proline 1633.
Molecular consequence: frameshift variant.
Genome position (GRCh38, 1-based): chr17:31,325,879, A duplicated; the last of 3 consecutive A bases (chr17:31,325,877-31,325,879); duplicating any one gives the same sequence. VCF-style (leftmost placement, unchanged base first): chr17-31325876-T-TA. GRCh37 (hg19) VCF-style: chr17-29652894-T-TA.
Other names: c.4832dupA (NM_000267.3); c.4832dup, p.Pro1612fs (NM_000267.4); short protein forms P1612fs, P1633fs.
Identifiers: ClinVar variation 4860916 (VCV004860916.1).

ClinVar aggregate classification (germline): Pathogenic (1 of 4 stars; one submission).

Conditions:
Cardiovascular phenotype. Identifiers: MedGen CN230736.
Hereditary cancer-predisposing syndrome. Also called: Neoplastic Syndromes, Hereditary; Tumor predisposition; Hereditary Cancer Syndrome; Hereditary neoplastic syndrome. Identifiers: Orphanet 140162, MedGen C0027672, MeSH D009386, MONDO:0015356.

Submission:

Ambry Genetics
Classification: Pathogenic for Cardiovascular phenotype; Hereditary cancer-predisposing syndrome. Last evaluated: 2026-04-16. Review status: criteria provided, single submitter. Criteria: Ambry Variant Classification Scheme 2023. Collection method: clinical testing. Allele origin: germline.
Comment: The c.4832dupA pathogenic mutation, located in coding exon 36 of the NF1 gene, results from a duplication of A at nucleotide position 4832, causing a translational frameshift with a predicted alternate stop codon (p.P1612Afs*8). This variant is considered to be rare based on population cohorts in the Genome Aggregation Database (gnomAD). This variant is expected to result in loss of function by premature protein truncation or nonsense-mediated mRNA decay. As such, this variant is interpreted as a disease-causing mutation.